The following is an entry in ClinVar:

NM_004655.4(AXIN2):c.1952C>T (p.Ser651Leu)

Gene: AXIN2 (axin 2; minus strand). Cytogenetic location: 17q24.1.
Variant type: single nucleotide variant.
Coding change: c.1952C>T on transcript NM_004655.4 (MANE Select); coding-DNA position 1952, C replaced by T.
Protein change: p.Ser651Leu; replaces serine 651 with leucine.
Molecular consequence: missense variant.
Genome position (GRCh38, 1-based): chr17:65,536,509, G>A on the plus strand (C>T on the coding strand, the complement: AXIN2 is on the minus strand). VCF-style: chr17-65536509-G-A. GRCh37 (hg19) VCF-style: chr17-63532627-G-A.
Other names: p.S651L:TCG>TTG; c.1952C>T (LRG_296t1); c.1757C>T, p.Ser586Leu (NM_001363813.1); short protein forms S651L, S586L.
Identifiers: ClinVar variation 127938 (VCV000127938.34), dbSNP rs74006838, ClinGen allele CA288089.
Genomic context (GRCh38, chr17:65,536,509, plus strand): 5'-CGGGGGTGCCCGCTGTTGCCCCCCCACAGATGGTGCCGGCTGGCTCGTTCGCCTGGAGAC[G>A]AGCGGGCAGACTCCAAGGGGTAGGCCTTTTTTGTGCTTTGGGCACTAAACAAGGAATGAG-3'
Protein context (NP_004646.3, residues 641-661): KKAYPLESAR[Ser651Leu]SPGERASRHH

ClinVar aggregate classification (germline): Benign/Likely benign. Review status: criteria provided, multiple submitters, no conflicts (2 of 4 stars). 11 submissions from 11 submitters: Benign (4); Likely benign (5). 2 of the submissions do not count toward it. Last evaluated 2026-04-14.

Conditions:
Oligodontia-cancer predisposition syndrome. Also called: TOOTH AGENESIS-COLORECTAL CANCER SYNDROME. Identifiers: Orphanet 300576, MedGen C1837750, MONDO:0012075, OMIM 608615. Disease mechanism: loss of function.
Colorectal cancer. Also called: Malignant Colorectal Neoplasm; Colorectal cancer, somatic. Identifiers: MedGen C0346629, MONDO:0005575, OMIM 114500.
AXIN2-related disorder.
Hereditary cancer-predisposing syndrome. Also called: Tumor predisposition; Hereditary neoplastic syndrome; Neoplastic Syndromes, Hereditary; Hereditary Cancer Syndrome. Identifiers: Orphanet 140162, MedGen C0027672, MeSH D009386, MONDO:0015356.

Allele frequency attached by ClinVar (database versions not stated): gnomAD exomes 0.00027; ExAC 0.00040; gnomAD 0.00120 and 0.00128; ESP Exome Variant Server 0.00138; TOPMed 0.00144; 1000 Genomes Project 30x 0.00172; 1000 Genomes Project 0.00200.
gnomAD v4.1: 339 of 1,613,842 alleles (0.021%); highest among the groups gnomAD compares: African/African-American, 0.38%; no homozygotes.

Submissions (11):

Dasa
Classification: Likely benign. Last evaluated: 2026-04-14. Review status: criteria provided, single submitter. Criteria: DASA Assertion Criteria. Collection method: clinical testing. Allele origin: germline.
Comment: NM_004655.4(AXIN2):c.1952C>T (p.Ser651Leu) is a missense variant that results in the substitution of serine with leucine. Multiple computational predictions suggest no deleterious effect on the gene or gene product. The variant is present at low frequency in population datasets. Based on the available data, this variant is classified as likely benign.

Labcorp Genetics (formerly Invitae), Labcorp
Classification: Benign for Oligodontia-cancer predisposition syndrome. Last evaluated: 2026-01-31. Review status: criteria provided, single submitter. Criteria: Invitae Variant Classification Sherloc (09022015). Collection method: clinical testing. Allele origin: germline.

Blueprint Genetics
Classification: Likely benign. Last evaluated: 2024-07-18. Review status: criteria provided, single submitter. Criteria: ACMG Guidelines, 2015. Collection method: clinical testing. Allele origin: germline.

ARUP Laboratories, Molecular Genetics and Genomics, ARUP Laboratories
Classification: Likely benign. Last evaluated: 2024-02-27. Review status: criteria provided, single submitter. Criteria: ARUP Molecular Germline Variant Investigation Process 2024. Collection method: clinical testing. Allele origin: germline.

Fulgent Genetics
Classification: Likely benign for Colorectal cancer; Oligodontia-cancer predisposition syndrome. Last evaluated: 2022-05-27. Review status: criteria provided, single submitter. Criteria: ACMG Guidelines, 2015. Collection method: clinical testing. Allele origin: unknown.

GeneDx
Classification: Likely benign. Last evaluated: 2021-06-05. Review status: criteria provided, single submitter. Criteria: GeneDx Variant Classification Process June 2021. Collection method: clinical testing. Allele origin: germline. Affected: yes.
Comment: This variant is associated with the following publications: (PMID: 28481359)

Sema4
Classification: Benign for Hereditary cancer-predisposing syndrome. Last evaluated: 2020-09-10. Review status: criteria provided, single submitter. Criteria: Sema4 Curation Guidelines. Collection method: curation. Allele origin: germline.

Ambry Genetics
Classification: Benign for Hereditary cancer-predisposing syndrome. Last evaluated: 2019-01-03. Review status: criteria provided, single submitter. Criteria: Ambry Variant Classification Scheme 2023. Collection method: clinical testing. Allele origin: germline.

Women's Health and Genetics/Laboratory Corporation of America, LabCorp
Classification: Benign. Last evaluated: 2017-06-23. Review status: criteria provided, single submitter. Criteria: LabCorp Variant Classification Summary - May 2015. Collection method: clinical testing. Allele origin: germline.
Comment: Variant summary: The AXIN2 c.1952C>T (p.Ser651Leu) variant involves the alteration of a non-conserved nucleotide. 3/4 in silico tools predict a benign outcome for this variant. This variant was found in 47/117962 control chromosomes, predominantly observed in the African subpopulation at a frequency of 0.004176 (40/9578). This frequency is about 29 times the estimated maximal expected allele frequency of a pathogenic AXIN2 variant (0.0001421), suggesting this is likely a benign polymorphism found primarily in the populations of African origin. In addition, multiple clinical diagnostic laboratories/reputable databases classified this variant as likely benign. Taken together, this variant is classified as benign.

Genetic Services Laboratory, University of Chicago
Classification: Benign. Last evaluated: 2022-07-27. Review status: no assertion criteria provided. Collection method: clinical testing. Allele origin: germline. Affected: no. Not counted in ClinVar's aggregate classification.

PreventionGenetics, part of Exact Sciences
Classification: Benign for AXIN2-related condition. Last evaluated: 2019-04-30. Review status: no assertion criteria provided. Collection method: clinical testing. Allele origin: germline. Not counted in ClinVar's aggregate classification.
Comment: This variant is classified as benign based on ACMG/AMP sequence variant interpretation guidelines (Richards et al. 2015 PMID: 25741868, with internal and published modifications).